The following is an entry in ClinVar:

NM_000124.4(ERCC6):c.805T>A (p.Ser269Thr)

Gene: ERCC6 (ERCC excision repair 6, chromatin remodeling factor; minus strand). Cytogenetic location: 10q11.23.
Variant type: single nucleotide variant.
Coding change: c.805T>A on transcript NM_000124.4 (MANE Select); coding-DNA position 805, T replaced by A.
Protein change: p.Ser269Thr; replaces serine 269 with threonine.
Molecular consequence: missense variant.
Genome position (GRCh38, 1-based): chr10:49,524,625, A>T on the plus strand (T>A on the coding strand, the complement: ERCC6 is on the minus strand). VCF-style: chr10-49524625-A-T. GRCh37 (hg19) VCF-style: chr10-50732671-A-T.
Other names: c.805T>A, p.Ser269Thr (NM_001277058.2, NM_001277059.2, NM_001346440.2); short protein forms S269T.
Identifiers: ClinVar variation 2148723 (VCV002148723.1), dbSNP rs759238503, ClinGen allele CA5496436.
Genomic context (GRCh38, chr10:49,524,625, plus strand): 5'-CTTGCTTCTTCCTTTCAAAAGACAGTTTTGCTTGATCTGCCAAATACTTTTCGAAGCCTG[A>T]TGCTTCATTAAGCATGATTTTTCTGGGCTTTTTCTCCTGTTTCTGAGGGATCTGGGTACC-3'
Protein context (NP_000115.1, residues 259-279): KPRKIMLNEA[Ser269Thr]GFEKYLADQA

ClinVar aggregate classification (germline): Uncertain significance (1 of 4 stars; one submission).

Allele frequency attached by ClinVar (database versions not stated): TOPMed below 0.00001; ExAC 0.00001; gnomAD exomes 0.00001.
gnomAD v4.1: 5 of 1,614,182 alleles (0.00031%); highest among the groups gnomAD compares: Admixed American, 0.0083%; no homozygotes.

Submission:

Labcorp Genetics (formerly Invitae), Labcorp
Classification: Uncertain significance. Last evaluated: 2022-06-14. Review status: criteria provided, single submitter. Criteria: Invitae Variant Classification Sherloc (09022015). Collection method: clinical testing. Allele origin: germline.
Comment: This sequence change replaces serine, which is neutral and polar, with threonine, which is neutral and polar, at codon 269 of the ERCC6 protein (p.Ser269Thr). This variant is present in population databases (rs759238503, gnomAD 0.01%). This variant has not been reported in the literature in individuals affected with ERCC6-related conditions. Algorithms developed to predict the effect of missense changes on protein structure and function (SIFT, PolyPhen-2, Align-GVGD) all suggest that this variant is likely to be disruptive. In summary, the available evidence is currently insufficient to determine the role of this variant in disease. Therefore, it has been classified as a Variant of Uncertain Significance.